The following is an entry in ClinVar:

NM_004304.5(ALK):c.202G>C (p.Ala68Pro)

Gene: ALK (ALK receptor tyrosine kinase; minus strand). Cytogenetic location: 2p23.1.
Variant type: single nucleotide variant.
Coding change: c.202G>C on transcript NM_004304.5 (MANE Select); coding-DNA position 202, G replaced by C.
Protein change: p.Ala68Pro; replaces alanine 68 with proline.
Molecular consequence: missense variant.
Genome position (GRCh38, 1-based): chr2:29,920,458, C>G on the plus strand (G>C on the coding strand, the complement: ALK is on the minus strand). VCF-style: chr2-29920458-C-G. GRCh37 (hg19) VCF-style: chr2-30143324-C-G.
Other names: short protein forms A68P.
Identifiers: ClinVar variation 662362 (VCV000662362.7), dbSNP rs1414978905, ClinGen allele CA346590492.

ClinVar aggregate classification (germline): Uncertain significance. Review status: criteria provided, multiple submitters, no conflicts (2 of 4 stars). 2 submissions from 2 submitters: Uncertain significance (2). Last evaluated 2026-01-11.

Conditions:
Hereditary cancer-predisposing syndrome. Also called: Neoplastic Syndromes, Hereditary; Hereditary neoplastic syndrome; Tumor predisposition; Hereditary Cancer Syndrome. Identifiers: Orphanet 140162, MedGen C0027672, MeSH D009386, MONDO:0015356.
Neuroblastoma, susceptibility to, 3. Also called: ALK-Related Neuroblastic Tumor Susceptibility. Identifiers: Orphanet 635, MedGen C2751681, MONDO:0013083, OMIM 613014.

Submissions (2):

Ambry Genetics
Classification: Uncertain significance for Hereditary cancer-predisposing syndrome. Last evaluated: 2026-01-11. Review status: criteria provided, single submitter. Criteria: Ambry Variant Classification Scheme 2023. Collection method: clinical testing. Allele origin: germline.
Comment: The p.A68P variant (also known as c.202G>C), located in coding exon 1 of the ALK gene, results from a G to C substitution at nucleotide position 202. The alanine at codon 68 is replaced by proline, an amino acid with highly similar properties. This amino acid position is conserved. In addition, the in silico prediction for this alteration is inconclusive. Based on the available evidence, the clinical significance of this variant remains unclear.

Labcorp Genetics (formerly Invitae), Labcorp
Classification: Uncertain significance for Neuroblastoma, susceptibility to, 3. Last evaluated: 2021-09-15. Review status: criteria provided, single submitter. Criteria: Invitae Variant Classification Sherloc (09022015). Collection method: clinical testing. Allele origin: germline.
Comment: This sequence change replaces alanine with proline at codon 68 of the ALK protein (p.Ala68Pro). The alanine residue is moderately conserved and there is a small physicochemical difference between alanine and proline. This variant is not present in population databases (ExAC no frequency). This variant has not been reported in the literature in individuals affected with ALK-related conditions. Algorithms developed to predict the effect of missense changes on protein structure and function are either unavailable or do not agree on the potential impact of this missense change (SIFT: "Deleterious"; PolyPhen-2: "Benign"; Align-GVGD: "Class C0"). In summary, the available evidence is currently insufficient to determine the role of this variant in disease. Therefore, it has been classified as a Variant of Uncertain Significance.